The following is an entry in ClinVar:

ClinVar aggregate classification (germline): Conflicting classifications of pathogenicity. Review status: criteria provided, conflicting classifications (1 of 4 stars). 5 submissions from 5 submitters: Uncertain significance (3); Likely benign (2). Last evaluated 2026-02-01.

Conditions:
Bethlem myopathy 1A. Also called: Bethlem myopathy 1; MYOPATHY, BENIGN CONGENITAL, WITH CONTRACTURES; Bethlem Muscular Dystrophy. Identifiers: Orphanet 610, MedGen CN029274, MONDO:0024530, OMIM 158810.

Allele frequency attached by ClinVar (database versions not stated): gnomAD exomes 0.00005 and 0.00011; gnomAD 0.00008 and 0.00010; TOPMed 0.00010; 1000 Genomes Project 30x 0.00016; 1000 Genomes Project 0.00020.
gnomAD v4.1: 183 of 1,613,326 alleles (0.011%); highest among the groups gnomAD compares: Non-Finnish European, 0.014%; no homozygotes.

Submissions (5):

CeGaT Center for Human Genetics Tuebingen
Classification: Uncertain significance. Last evaluated: 2026-02-01. Review status: criteria provided, single submitter. Criteria: CeGaT Center For Human Genetics Tuebingen Variant Classification Criteria Version 2. Collection method: clinical testing. Allele origin: germline. Affected: yes. Observed: 1 variant allele.
Comment: COL6A3: PM2, BP4

Labcorp Genetics (formerly Invitae), Labcorp
Classification: Likely benign for Bethlem myopathy 1A. Last evaluated: 2025-08-23. Review status: criteria provided, single submitter. Criteria: Invitae Variant Classification Sherloc (09022015). Collection method: clinical testing. Allele origin: germline.

Revvity Omics, Revvity
Classification: Uncertain significance. Last evaluated: 2022-07-28. Review status: criteria provided, single submitter. Criteria: ACMG Guidelines, 2015. Collection method: clinical testing. Allele origin: germline.

Eurofins Ntd Llc (ga)
Classification: Uncertain significance. Last evaluated: 2017-06-27. Review status: criteria provided, single submitter. Criteria: EGL Classification Definitions 2015. Collection method: clinical testing. Allele origin: germline. Observed: 1 variant allele, 1 heterozygote.

PreventionGenetics, part of Exact Sciences
Classification: Likely benign. Review status: criteria provided, single submitter. Criteria: ACMG Guidelines, 2015. Collection method: clinical testing. Allele origin: germline.

NM_004369.4(COL6A3):c.4849G>A (p.Ala1617Thr)

Gene: COL6A3 (collagen type VI alpha 3 chain; minus strand). Cytogenetic location: 2q37.3.
Variant type: single nucleotide variant.
Coding change: c.4849G>A on transcript NM_004369.4 (MANE Select); coding-DNA position 4849, G replaced by A.
Protein change: p.Ala1617Thr; replaces alanine 1617 with threonine.
Molecular consequence: missense variant.
Genome position (GRCh38, 1-based): chr2:237,368,614, C>T on the plus strand (G>A on the coding strand, the complement: COL6A3 is on the minus strand). VCF-style: chr2-237368614-C-T. GRCh37 (hg19) VCF-style: chr2-238277257-C-T.
Other names: c.3028G>A, p.Ala1010Thr (NM_057166.5); c.4231G>A, p.Ala1411Thr (NM_057167.4); short protein forms A1617T, A1411T, A1010T.
Identifiers: ClinVar variation 259301 (VCV000259301.25), dbSNP rs200433282, ClinGen allele CA2188802.